The following is an entry in ClinVar:

NM_006745.5(MSMO1):c.503A>G (p.Tyr168Cys)

Gene: MSMO1 (methylsterol monooxygenase 1; plus strand). Cytogenetic location: 4q32.3.
Variant type: single nucleotide variant.
Coding change: c.503A>G on transcript NM_006745.5 (MANE Select); coding-DNA position 503, A replaced by G.
Protein change: p.Tyr168Cys; replaces tyrosine 168 with cysteine.
Molecular consequence: missense variant.
Genome position (GRCh38, 1-based): chr4:165,338,750, A>G. VCF-style: chr4-165338750-A-G. GRCh37 (hg19) VCF-style: chr4-166259902-A-G.
Other names: c.110A>G, p.Tyr37Cys (NM_001017369.3); c.503A>G, p.Tyr168Cys (NM_001440534.1); short protein forms Y168C, Y37C.
Identifiers: ClinVar variation 4773523 (VCV004773523.1).

ClinVar aggregate classification (germline): Uncertain significance (1 of 4 stars; one submission).

gnomAD v4.1: 8 of 1,593,480 alleles (0.0005%); highest among the groups gnomAD compares: Middle Eastern, 0.033%; no homozygotes.

Submission:

Labcorp Genetics (formerly Invitae), Labcorp
Classification: Uncertain significance. Last evaluated: 2025-07-07. Review status: criteria provided, single submitter. Criteria: Invitae Variant Classification Sherloc (09022015). Collection method: clinical testing. Allele origin: germline.
Comment: This sequence change replaces tyrosine, which is neutral and polar, with cysteine, which is neutral and slightly polar, at codon 168 of the MSMO1 protein (p.Tyr168Cys). This variant is present in population databases (rs765046717, gnomAD 0.01%). This variant has not been reported in the literature in individuals affected with MSMO1-related conditions. Invitae Evidence Modeling of protein sequence and biophysical properties (such as structural, functional, and spatial information, amino acid conservation, physicochemical variation, residue mobility, and thermodynamic stability) indicates that this missense variant is expected to disrupt MSMO1 protein function with a positive predictive value of 80%. In summary, the available evidence is currently insufficient to determine the role of this variant in disease. Therefore, it has been classified as a Variant of Uncertain Significance.